The following is an entry in ClinVar:

NM_032638.5(GATA2):c.336C>G (p.His112Gln)

Gene: GATA2 (GATA binding protein 2; minus strand). Cytogenetic location: 3q21.3.
Variant type: single nucleotide variant.
Coding change: c.336C>G on transcript NM_032638.5 (MANE Select); coding-DNA position 336, C replaced by G.
Protein change: p.His112Gln; replaces histidine 112 with glutamine.
Molecular consequence: missense variant.
Genome position (GRCh38, 1-based): chr3:128,486,262, G>C on the plus strand (C>G on the coding strand, the complement: GATA2 is on the minus strand). VCF-style: chr3-128486262-G-C. GRCh37 (hg19) VCF-style: chr3-128205105-G-C.
Other names: c.336C>G, p.His112Gln (NM_001145661.2, NM_001145662.1); c.336C>G (NM_032638.4); short protein forms H112Q.
Identifiers: ClinVar variation 999070 (VCV000999070.9), dbSNP rs2068697916, ClinGen allele CA354407269.
Genomic context (GRCh38, chr3:128,486,262, plus strand): 5'-TCCAGCAGCTGAGGGGTGCAGTGGCGTCTTGGAGAAGGGGCTCACGGTCCAGGGGTTGTG[G>C]TGGTGGGCCGCAGCGGCAGAGAGGGCTGCTTTGCCCCCGTCCAGCCAGGGCAAACCCGGG-3'
Protein context (NP_116027.2, residues 102-122): KAALSAAAAH[His112Gln]HNPWTVSPFS

ClinVar aggregate classification (germline): Uncertain significance. Review status: criteria provided, multiple submitters, no conflicts (2 of 4 stars). 2 submissions from 2 submitters: Uncertain significance (2). Last evaluated 2024-04-11.

Conditions:
Monocytopenia with susceptibility to infections. Also called: Dendritic cell, monocyte, B lymphocyte, and natural killer lymphocyte deficiency; MONOCYTOPENIA AND MYCOBACTERIAL INFECTION SYNDROME; MONOCYTOPENIA WITH SUSCEPTIBILITY TO MYCOBACTERIAL, FUNGAL, AND PAPILLOMAVIRUS INFECTIONS AND MYELODYSPLASIA; COMBINED IMMUNODEFICIENCY WITH SUSCEPTIBILITY TO MYCOBACTERIAL, VIRAL, AND FUNGAL INFECTIONS; IMMUNODEFICIENCY 21; GATA2 DEFICIENCY. Identifiers: Orphanet 228423, MedGen C3280030, MONDO:0013607, OMIM 614172.
Deafness-lymphedema-leukemia syndrome. Also called: Lymphedema, primary, with myelodysplasia; Emberger syndrome. Identifiers: Orphanet 3226, MedGen C3279664, MONDO:0013540, OMIM 614038.

Allele frequency attached by ClinVar (database versions not stated): gnomAD exomes below 0.00001; TOPMed below 0.00001; gnomAD 0.00001.
gnomAD v4.1: 4 of 1,570,620 alleles (0.00025%); highest among the groups gnomAD compares: African/African-American, 0.0013%; no homozygotes.

Submissions (2):

GeneDx
Classification: Uncertain significance. Last evaluated: 2024-04-11. Review status: criteria provided, single submitter. Criteria: GeneDx Variant Classification Process June 2021. Collection method: clinical testing. Allele origin: germline. Affected: yes.
Comment: Not observed at significant frequency in large population cohorts (gnomAD); In silico analysis supports that this missense variant has a deleterious effect on protein structure/function; Has not been previously published as pathogenic or benign to our knowledge

Labcorp Genetics (formerly Invitae), Labcorp
Classification: Uncertain significance for Monocytopenia with susceptibility to infections; Deafness-lymphedema-leukemia syndrome. Last evaluated: 2020-06-16. Review status: criteria provided, single submitter. Criteria: Invitae Variant Classification Sherloc (09022015). Collection method: clinical testing. Allele origin: germline.
Comment: This sequence change replaces histidine with glutamine at codon 112 of the GATA2 protein (p.His112Gln). The histidine residue is moderately conserved and there is a small physicochemical difference between histidine and glutamine. This variant is not present in population databases (ExAC no frequency). This variant has not been reported in the literature in individuals with GATA2-related conditions. Algorithms developed to predict the effect of missense changes on protein structure and function are either unavailable or do not agree on the potential impact of this missense change (SIFT: "Tolerated"; PolyPhen-2: "Probably Damaging"; Align-GVGD: "Class C0"). Algorithms developed to predict the effect of sequence changes on RNA splicing suggest that this variant may create or strengthen a splice site, but this prediction has not been confirmed by published transcriptional studies. In summary, the available evidence is currently insufficient to determine the role of this variant in disease. Therefore, it has been classified as a Variant of Uncertain Significance.